The following is an entry in ClinVar:

ClinVar aggregate classification (germline): Pathogenic. Review status: reviewed by expert panel (3 of 4 stars). 2 submissions from 2 submitters: Pathogenic (1). 1 of the submissions does not count toward it. Last evaluated 2016-10-18.

Conditions:
Breast-ovarian cancer, familial, susceptibility to, 1 (BROVCA1). Also called: BRCA1 Hereditary Breast and Ovarian Cancer; OVARIAN CANCER, SUSCEPTIBILITY TO. Identifiers: Orphanet 145, MedGen C2676676, MONDO:0011450, OMIM 604370. Disease mechanism: loss of function.

Submissions (2):

Evidence-based Network for the Interpretation of Germline Mutant Alleles (ENIGMA)
Classification: Pathogenic for Breast-ovarian cancer, familial, susceptibility to, 1. Last evaluated: 2016-10-18. Review status: reviewed by expert panel. Criteria: ENIGMA BRCA1/2 Classification Criteria (2015). Collection method: curation. Allele origin: germline.
Comment: Variant allele predicted to encode a truncated non-functional protein.

Consortium of Investigators of Modifiers of BRCA1/2 (CIMBA), c/o University of Cambridge
Classification: Pathogenic for Breast-ovarian cancer, familial, susceptibility to, 1. Last evaluated: 2015-10-02. Review status: criteria provided, single submitter. Criteria: CIMBA Mutation Classification guidelines May 2016. Collection method: clinical testing. Allele origin: germline. Not counted in ClinVar's aggregate classification.

NM_007294.4(BRCA1):c.2778dup (p.Ala927fs)

Gene: BRCA1 (BRCA1 DNA repair associated; minus strand). Cytogenetic location: 17q21.31.
Variant type: Duplication.
Coding change: c.2778dup on transcript NM_007294.4 (MANE Select); coding-DNA position 2778, one base duplicated (T; older notation c.2778dupT).
Protein change: p.Ala927fs; shifts the reading frame from alanine 927.
Molecular consequence: frameshift variant. On other transcripts: intron variant (137).
Genome position (GRCh38, 1-based): chr17:43,092,753, A duplicated on the plus strand (T on the coding strand, the reverse complement: BRCA1 is on the minus strand). VCF-style (leftmost placement, unchanged base first): chr17-43092752-C-CA. GRCh37 (hg19) VCF-style: chr17-41244769-C-CA.
Other names: 2897dupT; c.2397dup, p.Ala800fs (NM_001407960.1, NM_001407963.1, NM_001407959.1); c.2394dup, p.Ala799fs (NM_001407962.1); c.2634dup, p.Ala879fs (NM_001407964.1, NM_001407740.1, NM_001407741.1 and 20 more transcripts); c.2274dup, p.Ala759fs (NM_001407965.1); c.1890dup, p.Ala631fs (NM_001407966.1, NM_001407967.1); c.2637dup, p.Ala880fs (NM_007297.4, NM_001407692.1, NM_001407694.1 and 29 more transcripts); c.2778dup, p.Ala927fs (NM_007300.4, NM_001407581.1, NM_001407582.1 and 30 more transcripts); and 42 more; short protein forms A927fs, A880fs, A799fs, A815fs, A838fs, A860fs, A885fs, A886fs.
Identifiers: ClinVar variation 266303 (VCV000266303.6), dbSNP rs886040072, ClinGen allele CA10589813.